The following is an entry in ClinVar:

ClinVar aggregate classification (germline): Uncertain significance (1 of 4 stars; one submission).

Allele frequency attached by ClinVar (database versions not stated): gnomAD exomes below 0.00001; TOPMed below 0.00001; gnomAD 0.00001.
gnomAD v4.1: 7 of 1,613,356 alleles (0.00043%); highest among the groups gnomAD compares: Non-Finnish European, 0.00059%; no homozygotes.

Submission:

Labcorp Genetics (formerly Invitae), Labcorp
Classification: Uncertain significance. Last evaluated: 2023-12-13. Review status: criteria provided, single submitter. Criteria: Invitae Variant Classification Sherloc (09022015). Collection method: clinical testing. Allele origin: germline.
Comment: This sequence change replaces alanine, which is neutral and non-polar, with serine, which is neutral and polar, at codon 150 of the ANLN protein (p.Ala150Ser). This variant is not present in population databases (gnomAD no frequency). This variant has not been reported in the literature in individuals affected with ANLN-related conditions. An algorithm developed to predict the effect of missense changes on protein structure and function (PolyPhen-2) suggests that this variant is likely to be disruptive. In summary, the available evidence is currently insufficient to determine the role of this variant in disease. Therefore, it has been classified as a Variant of Uncertain Significance.

NM_018685.5(ANLN):c.448G>T (p.Ala150Ser)

Gene: ANLN (anillin, actin binding protein; plus strand). Cytogenetic location: 7p14.2.
Variant type: single nucleotide variant.
Coding change: c.448G>T on transcript NM_018685.5 (MANE Select); coding-DNA position 448, G replaced by T.
Protein change: p.Ala150Ser; replaces alanine 150 with serine.
Molecular consequence: missense variant.
Genome position (GRCh38, 1-based): chr7:36,399,354, G>T. VCF-style: chr7-36399354-G-T. GRCh37 (hg19) VCF-style: chr7-36438963-G-T.
Other names: c.448G>T, p.Ala150Ser (NM_001284301.3, NM_001284302.3); short protein forms A150S.
Identifiers: ClinVar variation 2885011 (VCV002885011.3), dbSNP rs1258444056, ClinGen allele CA367204776.
Genomic context (GRCh38, chr7:36,399,354, plus strand): 5'-CTGAACTCAAGATTGGAAGCAACTGCAGCCTCCTCAGTTAAAACACGTATGCAAAAACTT[G>T]CAGAGCAACGGCGCCGTTGGGATAATGATGATATGACAGGTATGAATTGTATAGATGGTA-3'
Protein context (NP_061155.2, residues 140-160): SSVKTRMQKL[Ala150Ser]EQRRRWDNDD